The following is an entry in ClinVar:

NM_133642.5(LARGE1):c.2089G>T (p.Val697Leu)

Gene: LARGE1 (LARGE xylosyl- and glucuronyltransferase 1; minus strand). Cytogenetic location: 22q12.3.
Variant type: single nucleotide variant.
Coding change: c.2089G>T on transcript NM_133642.5 (MANE Select); coding-DNA position 2089, G replaced by T.
Protein change: p.Val697Leu; replaces valine 697 with leucine.
Molecular consequence: missense variant.
Genome position (GRCh38, 1-based): chr22:33,274,609, C>A on the plus strand (G>T on the coding strand, the complement: LARGE1 is on the minus strand). VCF-style: chr22-33274609-C-A. GRCh37 (hg19) VCF-style: chr22-33670595-C-A.
Other names: c.2089G>T, p.Val697Leu (NM_001362949.2, NM_001362951.2, NM_001362953.2 and 4 more transcripts); c.1942G>T, p.Val648Leu (NM_001378627.1, NM_001378628.1); c.1933G>T, p.Val645Leu (NM_001378629.1); c.1486G>T, p.Val496Leu (NM_001378630.1); c.1183G>T, p.Val395Leu (NM_001378631.1); c.[2089G>T] (NM_133642.4); short protein forms V697L, V395L, V496L, V645L, V648L.
Identifiers: ClinVar variation 684425 (VCV000684425.4), dbSNP rs1602190224, ClinGen allele CA411542587.

ClinVar aggregate classification (germline): Pathogenic (1 of 4 stars; one submission).

Conditions:
Retinitis pigmentosa (RP). Identifiers: Orphanet 791, MedGen C0035334, MeSH D012174, MONDO:0019200, OMIM 268000. Inheritance: Autosomal dominant, autosomal recessive and X linked inheritance.

Allele frequency attached by ClinVar (database versions not stated): gnomAD exomes below 0.00001.
gnomAD v4.1: 1 of 1,614,080 alleles (0.000062%); highest among the groups gnomAD compares: Non-Finnish European, 0.000085%; no homozygotes.

Submission:

Leeds Institute of Medical Research, University of Leeds
Classification: Pathogenic for Retinitis pigmentosa. Last evaluated: 2019-07-30. Review status: criteria provided, single submitter. Criteria: ACGS Best Practice Guidelines for Variant Classification 2018. Collection method: research. Allele origin: germline. Inheritance: Autosomal recessive inheritance. Affected: yes. Observed: 4 variant alleles, 4 homozygotes. Clinical features observed: Retinitis pigmentosa inversa (HP:0008035).
Comment: The Val697Leu variant in LARGE1 segregated with retinitis pigmentosa in a large consanguineous pedigree of South Asian origin with 4 affected members in 3 families. The variant, which affects an evolutionarily conserved residue in the proitein sequence, was absent in the public variant databases and is pathogenic based on prediction software.